The following is an entry in ClinVar:

NM_001170535.3(ATAD3A):c.739G>A (p.Val247Met)

Gene: ATAD3A (ATPase family AAA domain containing 3A; plus strand). Cytogenetic location: 1p36.33.
Variant type: single nucleotide variant.
Coding change: c.739G>A on transcript NM_001170535.3 (MANE Select); coding-DNA position 739, G replaced by A.
Protein change: p.Val247Met; replaces valine 247 with methionine.
Molecular consequence: missense variant.
Genome position (GRCh38, 1-based): chr1:1,520,606, G>A. VCF-style: chr1-1520606-G-A. GRCh37 (hg19) VCF-style: chr1-1455986-G-A.
Other names: c.502G>A, p.Val168Met (NM_001170536.3); c.883G>A, p.Val295Met (NM_018188.5); c.883G>A (NM_018188.3); short protein forms V168M, V247M, V295M.
Identifiers: ClinVar variation 1029210 (VCV001029210.2), dbSNP rs1179360173, ClinGen allele CA337854607.
Genomic context (GRCh38, chr1:1,520,606, plus strand): 5'-AGGACGGCTGGCACCTTGTTTGGGGAAGGATTCCGTGCCTTTGTGACAGACTGGGACAAA[G>A]TGACAGCCACGGTAAACATACTCATAAAACAGGGCTGGCAGGTGGCTGAGGGGCAGCATG-3'
Protein context (NP_001164006.1, residues 237-257): FRAFVTDWDK[Val247Met]TATVAGLTLL

ClinVar aggregate classification (germline): Uncertain significance. Review status: criteria provided, multiple submitters, no conflicts (2 of 4 stars). 2 submissions from 2 submitters: Uncertain significance (2). Last evaluated 2024-01-03.

Conditions:
Inborn genetic diseases. Identifiers: MedGen C0950123, MeSH D030342.
Harel-Yoon syndrome (HAYOS). Also called: Optic atrophy-peripheral neuropathy-developmental delay syndrome. Identifiers: Orphanet 496790, MedGen C4310677, MONDO:0014958, OMIM 617183.

Allele frequency attached by ClinVar (database versions not stated): gnomAD exomes 0.00002.

Submissions (2):

Ambry Genetics
Classification: Uncertain significance for Inborn genetic diseases. Last evaluated: 2024-01-03. Review status: criteria provided, single submitter. Criteria: Ambry Variant Classification Scheme 2023. Collection method: clinical testing. Allele origin: germline.

Baylor Genetics
Classification: Uncertain significance for Harel-Yoon syndrome. Last evaluated: 2019-03-11. Review status: criteria provided, single submitter. Criteria: ACMG Guidelines, 2015. Collection method: clinical testing. Allele origin: maternal. Affected: yes.
Comment: This variant was determined to be of uncertain significance according to ACMG Guidelines, 2015 [PMID:25741868].